The following is an entry in ClinVar:

ClinVar aggregate classification (germline): Benign/Likely benign. Review status: criteria provided, multiple submitters, no conflicts (2 of 4 stars). 9 submissions from 9 submitters: Benign (1); Likely benign (8). Last evaluated 2026-05-21.

Conditions:
Hereditary cancer-predisposing syndrome. Also called: Hereditary Cancer Syndrome; Tumor predisposition; Neoplastic Syndromes, Hereditary; Hereditary neoplastic syndrome. Identifiers: Orphanet 140162, MedGen C0027672, MeSH D009386, MONDO:0015356.
Neurofibromatosis, type 1 (NF1). Also called: VON RECKLINGHAUSEN DISEASE; Neurofibromatosis, type I; NEUROFIBROMATOSIS, TYPE I, SOMATIC; Peripheral type neurofibromatosis. Identifiers: Orphanet 636, MedGen C0027831, MONDO:0018975, OMIM 162200. Disease mechanism: loss of function.

Allele frequency attached by ClinVar (database versions not stated): gnomAD 0.00001 and 0.00002; gnomAD exomes 0.00001 and 0.00002; ExAC 0.00003; TOPMed 0.00003; ESP Exome Variant Server 0.00008.
gnomAD v4.1: 23 of 1,613,970 alleles (0.0014%); highest among the groups gnomAD compares: Non-Finnish European, 0.0019%; no homozygotes.

Submissions (9):

Myriad Genetics, Inc.
Classification: Benign for Neurofibromatosis, type 1. Last evaluated: 2026-05-21. Review status: criteria provided, single submitter. Criteria: Myriad Autosomal Dominant, Autosomal Recessive and X-Linked Classification Criteria (2023). Collection method: clinical testing. Allele origin: unknown.
Comment: This variant is considered benign. This variant is a silent/synonymous amino acid change and it is not expected to impact splicing.

Labcorp Genetics (formerly Invitae), Labcorp
Classification: Likely benign for Neurofibromatosis, type 1. Last evaluated: 2026-01-15. Review status: criteria provided, single submitter. Criteria: Invitae Variant Classification Sherloc (09022015). Collection method: clinical testing. Allele origin: germline.

Genome-Nilou Lab
Classification: Likely benign for Neurofibromatosis, type 1. Last evaluated: 2022-03-15. Review status: criteria provided, single submitter. Criteria: ACMG Guidelines, 2015. Collection method: clinical testing. Allele origin: germline. Affected: no.

Sema4
Classification: Likely benign for Hereditary cancer-predisposing syndrome. Last evaluated: 2022-02-19. Review status: criteria provided, single submitter. Criteria: Sema4 Curation Guidelines. Collection method: curation. Allele origin: germline.

Women's Health and Genetics/Laboratory Corporation of America, LabCorp
Classification: Likely benign. Last evaluated: 2021-10-20. Review status: criteria provided, single submitter. Criteria: LabCorp Variant Classification Summary - May 2015. Collection method: clinical testing. Allele origin: germline.

Genetic Services Laboratory, University of Chicago
Classification: Likely benign. Last evaluated: 2021-06-07. Review status: criteria provided, single submitter. Criteria: ACMG Guidelines, 2015. Collection method: clinical testing. Allele origin: germline. Affected: no.

Blueprint Genetics
Classification: Likely benign. Last evaluated: 2019-10-30. Review status: criteria provided, single submitter. Criteria: ACMG Guidelines, 2015. Collection method: clinical testing. Allele origin: germline.

GeneDx
Classification: Likely benign. Last evaluated: 2017-11-08. Review status: criteria provided, single submitter. Criteria: GeneDx Variant Classification (06012015). Collection method: clinical testing. Allele origin: germline. Affected: yes.
Comment: This variant is considered likely benign or benign based on one or more of the following criteria: it is a conservative change, it occurs at a poorly conserved position in the protein, it is predicted to be benign by multiple in silico algorithms, and/or has population frequency not consistent with disease.

Ambry Genetics
Classification: Likely benign for Hereditary cancer-predisposing syndrome. Last evaluated: 2014-11-25. Review status: criteria provided, single submitter. Criteria: Ambry Autosomal Dominant and X-Linked criteria (10/2015). Collection method: clinical testing. Allele origin: germline. Observed: 1 variant allele.

Literature cited by the submitters: PubMed 10678181 (cited by Women's Health and Genetics/Laboratory Corporation of America, LabCorp); PubMed 23460398 (cited by Women's Health and Genetics/Laboratory Corporation of America, LabCorp); PubMed 29872168 (cited by Women's Health and Genetics/Laboratory Corporation of America, LabCorp); PubMed 27069254 (cited by Women's Health and Genetics/Laboratory Corporation of America, LabCorp).

NM_001042492.3(NF1):c.7479A>G (p.Pro2493=)

Gene: NF1 (neurofibromin 1; plus strand). Cytogenetic location: 17q11.2.
Variant type: single nucleotide variant.
Coding change: c.7479A>G on transcript NM_001042492.3 (MANE Select); coding-DNA position 7479, A replaced by G.
Protein change: p.Pro2493=; no amino-acid change (proline 2493 retained).
Molecular consequence: synonymous variant.
Genome position (GRCh38, 1-based): chr17:31,352,278, A>G. VCF-style: chr17-31352278-A-G. GRCh37 (hg19) VCF-style: chr17-29679296-A-G.
Other names: c.7416A>G, p.Pro2472= (NM_000267.4).
Identifiers: ClinVar variation 219947 (VCV000219947.19), dbSNP rs144957306, ClinGen allele CA349902.